The following is an entry in ClinVar:

NM_000426.4(LAMA2):c.6430A>C (p.Ile2144Leu)

Gene: LAMA2 (laminin subunit alpha 2; plus strand). Cytogenetic location: 6q22.33.
Variant type: single nucleotide variant.
Coding change: c.6430A>C on transcript NM_000426.4 (MANE Select); coding-DNA position 6430, A replaced by C.
Protein change: p.Ile2144Leu; replaces isoleucine 2144 with leucine.
Molecular consequence: missense variant.
Genome position (GRCh38, 1-based): chr6:129,452,988, A>C. VCF-style: chr6-129452988-A-C. GRCh37 (hg19) VCF-style: chr6-129774133-A-C.
Other names: c.6430A>C, p.Ile2144Leu (NM_001079823.2); short protein forms I2144L.
Identifiers: ClinVar variation 2041652 (VCV002041652.6), dbSNP rs752034225, ClinGen allele CA3994271.
Genomic context (GRCh38, chr6:129,452,988, plus strand): 5'-GCTACTTCAAACTTTCTGAGAGATTTACTCTTGGTTCTTTGTATCTTGTTTTTTTTAAAG[A>C]TCAAAGTATCTGTGTCTTCAGGAGGTGACTGCATTCGAACATACAAACCAGAAATCAAGA-3'
Protein context (NP_000417.3, residues 2134-2154): INQARKQANS[Ile2144Leu]KVSVSSGGDC

ClinVar aggregate classification (germline): Uncertain significance. Review status: criteria provided, multiple submitters, no conflicts (2 of 4 stars). 2 submissions from 2 submitters: Uncertain significance (2). Last evaluated 2025-12-15.

Conditions:
LAMA2-related muscular dystrophy (LAMA2-RD). Also called: Laminin alpha 2-related dystrophy. Identifiers: MedGen C5679788, MONDO:0100228.

Allele frequency attached by ClinVar (database versions not stated): TOPMed 0.00001; gnomAD 0.00003; gnomAD exomes 0.00004; ExAC 0.00009.
gnomAD v4.1: 55 of 1,611,966 alleles (0.0034%); highest among the groups gnomAD compares: South Asian, 0.055%; no homozygotes.

Submissions (2):

Labcorp Genetics (formerly Invitae), Labcorp
Classification: Uncertain significance for LAMA2-related muscular dystrophy. Last evaluated: 2025-12-15. Review status: criteria provided, single submitter. Criteria: Invitae Variant Classification Sherloc (09022015). Collection method: clinical testing. Allele origin: germline.
Comment: This sequence change replaces isoleucine, which is neutral and non-polar, with leucine, which is neutral and non-polar, at codon 2144 of the LAMA2 protein (p.Ile2144Leu). This variant is present in population databases (rs752034225, gnomAD 0.06%). This variant has not been reported in the literature in individuals affected with LAMA2-related conditions. ClinVar contains an entry for this variant (Variation ID: 2041652). An algorithm developed to predict the effect of missense changes on protein structure and function (PolyPhen-2) suggests that this variant is likely to be disruptive. In summary, the available evidence is currently insufficient to determine the role of this variant in disease. Therefore, it has been classified as a Variant of Uncertain Significance.

Revvity Omics, Revvity
Classification: Uncertain significance. Last evaluated: 2020-10-29. Review status: criteria provided, single submitter. Criteria: ACMG Guidelines, 2015. Collection method: clinical testing. Allele origin: germline.